The following is an entry in ClinVar:

ClinVar aggregate classification (germline): Likely pathogenic (1 of 4 stars; one submission).

Allele frequency attached by ClinVar (database versions not stated): TOPMed below 0.00001.

Submission:

GeneDx
Classification: Likely pathogenic. Last evaluated: 2020-03-24. Review status: criteria provided, single submitter. Criteria: GeneDx Variant Classification Process June 2021. Collection method: clinical testing. Allele origin: germline. Affected: yes.
Comment: Not observed in large population cohorts (Lek et al., 2016); In silico analysis, which includes protein predictors and evolutionary conservation, supports a deleterious effect; Has not been previously published as pathogenic or benign to our knowledge

NM_000271.5(NPC1):c.3065C>A (p.Ala1022Glu)

Gene: NPC1 (NPC intracellular cholesterol transporter 1; minus strand). Cytogenetic location: 18q11.2.
Variant type: single nucleotide variant.
Coding change: c.3065C>A on transcript NM_000271.5 (MANE Select); coding-DNA position 3065, C replaced by A.
Protein change: p.Ala1022Glu; replaces alanine 1022 with glutamic acid.
Molecular consequence: missense variant.
Genome position (GRCh38, 1-based): chr18:23,536,853, G>T on the plus strand (C>A on the coding strand, the complement: NPC1 is on the minus strand). VCF-style: chr18-23536853-G-T. GRCh37 (hg19) VCF-style: chr18-21116817-G-T.
Other names: short protein forms A1022E.
Identifiers: ClinVar variation 1199746 (VCV001199746.3), dbSNP rs2033609417, ClinGen allele CA401792013.